The following is an entry in ClinVar:

ClinVar aggregate classification (germline): Uncertain significance (1 of 4 stars; one submission).

Allele frequency attached by ClinVar (database versions not stated): gnomAD 0.00001.

Submission:

Women's Health and Genetics/Laboratory Corporation of America, LabCorp
Classification: Uncertain significance. Last evaluated: 2023-01-26. Review status: criteria provided, single submitter. Criteria: LabCorp Variant Classification Summary - May 2015. Collection method: clinical testing. Allele origin: germline.
Comment: Variant summary: CDK13 c.3092T>C (p.Met1031Thr) results in a non-conservative amino acid change in the encoded protein sequence. Three of five in-silico tools predict a benign effect of the variant on protein function. The variant was absent in 251440 control chromosomes. The available data on variant occurrences in the general population are insufficient to allow any conclusion about variant significance. To our knowledge, no occurrence of c.3092T>C in individuals affected with Congenital Heart Defects, Dysmorphic Facial Features, And Intellectual Developmental Disorder and no experimental evidence demonstrating its impact on protein function have been reported. No clinical diagnostic laboratories have submitted clinical-significance assessments for this variant to ClinVar after 2014. Based on the evidence outlined above, the variant was classified as uncertain significance.

NM_003718.5(CDK13):c.3092T>C (p.Met1031Thr)

Gene: CDK13 (cyclin dependent kinase 13; plus strand). Cytogenetic location: 7p14.1.
Variant type: single nucleotide variant.
Coding change: c.3092T>C on transcript NM_003718.5 (MANE Select); coding-DNA position 3092, T replaced by C.
Protein change: p.Met1031Thr; replaces methionine 1031 with threonine.
Molecular consequence: missense variant.
Genome position (GRCh38, 1-based): chr7:40,088,188, T>C. VCF-style: chr7-40088188-T-C. GRCh37 (hg19) VCF-style: chr7-40127787-T-C.
Other names: c.3092T>C, p.Met1031Thr (NM_031267.4); short protein forms M1031T.
Identifiers: ClinVar variation 2429198 (VCV002429198.3), dbSNP rs1786833563, ClinGen allele CA367293199.